The following is an entry in ClinVar:

NM_001379659.1(ZNF142):c.3456A>C (p.Thr1152=)

Gene: ZNF142 (zinc finger protein 142; minus strand). Cytogenetic location: 2q35.
Variant type: single nucleotide variant.
Coding change: c.3456A>C on transcript NM_001379659.1 (MANE Select); coding-DNA position 3456, A replaced by C.
Protein change: p.Thr1152=; no amino-acid change (threonine 1152 retained).
Molecular consequence: synonymous variant.
Genome position (GRCh38, 1-based): chr2:218,643,660, T>G on the plus strand (A>C on the coding strand, the complement: ZNF142 is on the minus strand). VCF-style: chr2-218643660-T-G. GRCh37 (hg19) VCF-style: chr2-219508383-T-G.
Other names: c.2856A>C, p.Thr952= (NM_001105537.5, NM_001366291.3, NM_001379662.1); c.2367A>C, p.Thr789= (NM_001366287.3, NM_001366288.3, NM_001366289.3); c.3456A>C, p.Thr1152= (NM_001366290.3, NM_001379660.1, NM_001379661.1).
Identifiers: ClinVar variation 5040395 (VCV005040395.1).
Genomic context (GRCh38, chr2:218,643,660, plus strand): 5'-GGGCAAGGAGTTTCCTGCAGGAGGGACTGGGGAACCAGAGACTGTGGCAAGAGGCTCTTC[T>G]GTTTCTTCTGGCTCCCTGGGAAGCTCCAAAGGAGCATCTTTTGGAAGCAGTAGCTCTGCT-3'
Protein context (NP_001366588.1, residues 1142-1162): PLELPREPEE[Thr1152=]EEPLATVSGS

ClinVar aggregate classification (germline): Likely benign (1 of 4 stars; one submission).

gnomAD v4.1: 4 of 1,550,112 alleles (0.00026%); highest among the groups gnomAD compares: Admixed American, 0.0062%; no homozygotes.

Submission:

CeGaT Center for Human Genetics Tuebingen
Classification: Likely benign. Last evaluated: 2026-08-01. Review status: criteria provided, single submitter. Criteria: CeGaT Center For Human Genetics Tuebingen Variant Classification Criteria Version 2. Collection method: clinical testing. Allele origin: germline. Affected: yes. Observed: 1 variant allele.
Comment: ZNF142: BP4, BP7